The following is an entry in ClinVar:

NM_014714.4(IFT140):c.3993_3994delinsAA (p.Leu1332Met)

Gene: IFT140 (intraflagellar transport 140; minus strand). Cytogenetic location: 16p13.3.
Variant type: Indel.
Coding change: c.3993_3994delinsAA on transcript NM_014714.4 (MANE Select); coding-DNA positions 3993 to 3994, GC replaced by AA.
Protein change: p.Leu1332Met; replaces leucine 1332 with methionine.
Molecular consequence: missense variant.
Genome position (GRCh38, 1-based): chr16:1,519,927-1,519,928, GC replaced by TT on the plus strand (GC replaced by AA on the coding strand, the reverse complement: IFT140 is on the minus strand). VCF-style: chr16-1519927-GC-TT. GRCh37 (hg19) VCF-style: chr16-1569928-GC-TT.
Other names: short protein forms L1332M.
Identifiers: ClinVar variation 4707527 (VCV004707527.1).
Genomic context (GRCh38, chr16:1,519,927, plus strand): 5'-CCCCGGGGGCACACCTGCGGGCCTGGATGAACCTCTTCACCAGTGCCATCCTGCTCTGCA[GC>TT]TGCGCCAGCCTGGTCTCCTGGTCCAGGGGGCTCTTGGCCTTGGCCTTGGCCAGGCACTTG-3'
Protein context (NP_055529.2, residues 1322-1342): PLDQETRLAQ[Leu1332Met]QSRMALVKRF

ClinVar aggregate classification (germline): Uncertain significance (1 of 4 stars; one submission).

Conditions:
Saldino-Mainzer syndrome (SRTD9). Also called: CONORENAL SYNDROME; Renal dysplasia, retinal pigmentary dystrophy, cerebellar ataxia and skeletal dysplasia; SHORT-RIB THORACIC DYSPLASIA 9 WITHOUT POLYDACTYLY; short-rib thoracic dysplasia 9 with or without polydactyly. Identifiers: Orphanet 140969, MedGen C1849437, MONDO:0009964, OMIM 266920.

Submission:

Labcorp Genetics (formerly Invitae), Labcorp
Classification: Uncertain significance for Saldino-Mainzer syndrome. Last evaluated: 2025-04-11. Review status: criteria provided, single submitter. Criteria: Invitae Variant Classification Sherloc (09022015). Collection method: clinical testing. Allele origin: germline.
Comment: This sequence change replaces leucine, which is neutral and non-polar, with methionine, which is neutral and non-polar, at codon 1332 of the IFT140 protein (p.Leu1332Met). Information on the frequency of this variant in the gnomAD database is not available, as this variant may be reported differently in the database. This variant has not been reported in the literature in individuals affected with IFT140-related conditions. Experimental studies and prediction algorithms are not available or were not evaluated, and the functional significance of this variant is currently unknown. In summary, the available evidence is currently insufficient to determine the role of this variant in disease. Therefore, it has been classified as a Variant of Uncertain Significance.